The following is an entry in ClinVar:

ClinVar aggregate classification (germline): Conflicting classifications of pathogenicity. Review status: criteria provided, conflicting classifications (1 of 4 stars). 2 submissions from 2 submitters: Likely pathogenic (1); Uncertain significance (1). Last evaluated 2022-09-06.

Conditions:
COL9A3-related disorders.

Submissions (2):

Labcorp Genetics (formerly Invitae), Labcorp
Classification: Uncertain significance. Last evaluated: 2022-09-06. Review status: criteria provided, single submitter. Criteria: Invitae Variant Classification Sherloc (09022015). Collection method: clinical testing. Allele origin: germline.
Comment: This variant is not present in population databases (gnomAD no frequency). This sequence change affects an acceptor splice site in intron 1 of the COL9A3 gene. It is expected to disrupt RNA splicing. Variants that disrupt the donor or acceptor splice site typically lead to a loss of protein function (PMID: 16199547), however the current clinical and genetic evidence is not sufficient to establish whether loss-of-function variants in COL9A3 cause disease. This variant has not been reported in the literature in individuals affected with COL9A3-related conditions. In summary, the available evidence is currently insufficient to determine the role of this variant in disease. Therefore, it has been classified as a Variant of Uncertain Significance. Algorithms developed to predict the effect of sequence changes on RNA splicing suggest that this variant may disrupt the consensus splice site.

Blueprint Genetics
Classification: Likely pathogenic for COL9A3-related disorders. Last evaluated: 2021-11-10. Review status: criteria provided, single submitter. Criteria: ACMG Guidelines, 2015. Collection method: clinical testing. Allele origin: germline. Affected: yes. Observed: 1 variant allele.

Literature cited by the submitters: PubMed 16199547 (cited by Labcorp Genetics (formerly Invitae), Labcorp).

NM_001853.4(COL9A3):c.79-2A>G

Gene: COL9A3 (collagen type IX alpha 3 chain; plus strand). Cytogenetic location: 20q13.33.
Variant type: single nucleotide variant.
Coding change: c.79-2A>G on transcript NM_001853.4 (MANE Select); the canonical splice acceptor site of the intron before coding-DNA position 79, A replaced by G.
Molecular consequence: splice acceptor variant.
Genome position (GRCh38, 1-based): chr20:62,817,565, A>G. VCF-style: chr20-62817565-A-G. GRCh37 (hg19) VCF-style: chr20-61448917-A-G.
Identifiers: ClinVar variation 2044201 (VCV002044201.5), dbSNP rs2516017686, ClinGen allele CA409587021.